The following is an entry in ClinVar:

ClinVar aggregate classification (germline): Uncertain significance (1 of 4 stars; one submission).

Allele frequency attached by ClinVar (database versions not stated): gnomAD exomes below 0.00001; TOPMed below 0.00001.
gnomAD v4.1: 1 of 1,612,514 alleles (0.000062%); highest among the groups gnomAD compares: Non-Finnish European, 0.000085%; no homozygotes.

Submission:

Labcorp Genetics (formerly Invitae), Labcorp
Classification: Uncertain significance. Last evaluated: 2023-12-21. Review status: criteria provided, single submitter. Criteria: Invitae Variant Classification Sherloc (09022015). Collection method: clinical testing. Allele origin: germline.
Comment: This sequence change replaces methionine, which is neutral and non-polar, with valine, which is neutral and non-polar, at codon 2842 of the LAMA5 protein (p.Met2842Val). This variant is not present in population databases (gnomAD no frequency). This variant has not been reported in the literature in individuals affected with LAMA5-related conditions. ClinVar contains an entry for this variant (Variation ID: 1987658). Advanced modeling of protein sequence and biophysical properties (such as structural, functional, and spatial information, amino acid conservation, physicochemical variation, residue mobility, and thermodynamic stability) performed at Invitae indicates that this missense variant is not expected to disrupt LAMA5 protein function with a negative predictive value of 80%. In summary, the available evidence is currently insufficient to determine the role of this variant in disease. Therefore, it has been classified as a Variant of Uncertain Significance.

NM_005560.6(LAMA5):c.8524A>G (p.Met2842Val)

Gene: LAMA5 (laminin subunit alpha 5; minus strand). Cytogenetic location: 20q13.33.
Variant type: single nucleotide variant.
Coding change: c.8524A>G on transcript NM_005560.6 (MANE Select); coding-DNA position 8524, A replaced by G.
Protein change: p.Met2842Val; replaces methionine 2842 with valine.
Molecular consequence: missense variant.
Genome position (GRCh38, 1-based): chr20:62,313,783, T>C on the plus strand (A>G on the coding strand, the complement: LAMA5 is on the minus strand). VCF-style: chr20-62313783-T-C. GRCh37 (hg19) VCF-style: chr20-60888839-T-C.
Other names: short protein forms M2842V.
Identifiers: ClinVar variation 1987658 (VCV001987658.4), dbSNP rs1986590514, ClinGen allele CA409545292.
Genomic context (GRCh38, chr20:62,313,783, plus strand): 5'-CAGGGGCCACCGTGTCACCCTTGGTTTCCTGGATCATCTGTCTCTCCACTGTGACGGACA[T>C]GTGGCCAAACTGGAGAGTCCTGAGGGCAGAGGCGAGGGGTGGCGAGTGGGCACGGAGAGA-3'
Protein context (NP_005551.3, residues 2832-2852): SLDRTLQFGH[Met2842Val]SVTVERQMIQ